The following is an entry in ClinVar:

ClinVar aggregate classification (germline): Uncertain significance (1 of 4 stars; one submission).

Conditions:
Growth hormone insensitivity with immune dysregulation 1, autosomal recessive. Also called: Laron syndrome with immunodeficiency; GROWTH HORMONE INSENSITIVITY SYNDROME WITH IMMUNE DYSREGULATION 1, AUTOSOMAL RECESSIVE; GROWTH HORMONE INSENSITIVITY DUE TO POSTRECEPTOR DEFECT; LARON SYNDROME DUE TO POSTRECEPTOR DEFECT. Identifiers: Orphanet 220465, MedGen C5435698, MONDO:0100211, OMIM 245590.

Allele frequency attached by ClinVar (database versions not stated): gnomAD exomes below 0.00001; gnomAD 0.00001; TOPMed 0.00001.
gnomAD v4.1: 9 of 1,613,980 alleles (0.00056%); highest among the groups gnomAD compares: East Asian, 0.0022%; no homozygotes.

Submission:

Labcorp Genetics (formerly Invitae), Labcorp
Classification: Uncertain significance for Growth hormone insensitivity with immune dysregulation 1, autosomal recessive. Last evaluated: 2022-02-08. Review status: criteria provided, single submitter. Criteria: Invitae Variant Classification Sherloc (09022015). Collection method: clinical testing. Allele origin: germline.
Comment: This variant is present in population databases (no rsID available, gnomAD 0.006%). In summary, the available evidence is currently insufficient to determine the role of this variant in disease. Therefore, it has been classified as a Variant of Uncertain Significance. Algorithms developed to predict the effect of missense changes on protein structure and function are either unavailable or do not agree on the potential impact of this missense change (SIFT: "Deleterious"; PolyPhen-2: "Probably Damaging"; Align-GVGD: "Class C15"). ClinVar contains an entry for this variant (Variation ID: 936890). This variant has not been reported in the literature in individuals affected with STAT5B-related conditions. This sequence change replaces leucine, which is neutral and non-polar, with phenylalanine, which is neutral and non-polar, at codon 60 of the STAT5B protein (p.Leu60Phe).

NM_012448.4(STAT5B):c.178C>T (p.Leu60Phe)

Gene: STAT5B (signal transducer and activator of transcription 5B; minus strand). Cytogenetic location: 17q21.2.
Variant type: single nucleotide variant.
Coding change: c.178C>T on transcript NM_012448.4 (MANE Select); coding-DNA position 178, C replaced by T.
Protein change: p.Leu60Phe; replaces leucine 60 with phenylalanine.
Molecular consequence: missense variant.
Genome position (GRCh38, 1-based): chr17:42,227,636, G>A on the plus strand (C>T on the coding strand, the complement: STAT5B is on the minus strand). VCF-style: chr17-42227636-G-A. GRCh37 (hg19) VCF-style: chr17-40379654-G-A.
Other names: short protein forms L60F.
Identifiers: ClinVar variation 936890 (VCV000936890.10), dbSNP rs1187306164, ClinGen allele CA399591941.